The following is an entry in ClinVar:

ClinVar aggregate classification (germline): Uncertain significance. Review status: criteria provided, multiple submitters, no conflicts (2 of 4 stars). 2 submissions from 2 submitters: Uncertain significance (2). Last evaluated 2024-09-24.

Conditions:
Cataract 1 multiple types. Also called: CATARACT, DUFFY-LINKED; CATARACT 1, POSTERIOR SUBCAPSULAR, WITH MICROCORNEA; CATARACT 1, STELLATE NUCLEAR, WITH MICROCORNEA; CATARACT 1, MULTIPLE TYPES, WITH OR WITHOUT MICROCORNEA; CATARACT 1, NUCLEAR PROGRESSIVE; CATARACT 1 WITH MICROCORNEA. Identifiers: Orphanet 1377, MedGen C1861828, MONDO:0007285, OMIM 116200.

Submissions (2):

Laboratorio de Genetica e Diagnostico Molecular, Hospital Israelita Albert Einstein
Classification: Uncertain significance for Cataract 1 multiple types. Last evaluated: 2024-09-24. Review status: criteria provided, single submitter. Criteria: ACMG Guidelines, 2015. Collection method: clinical testing. Allele origin: germline. Affected: yes.
Comment: ACMG classification criteria: PM2 supporting, PP3 supporting

Dept. Genetics and Cancer, Menzies Institute for Medical Research, University of Tasmania
Classification: Uncertain significance for Cataract 1 multiple types. Last evaluated: 2023-01-21. Review status: criteria provided, single submitter. Criteria: ACMG Guidelines, 2015. Collection method: curation. Allele origin: germline. Affected: yes.
Comment: Variant identified and curated during a GJA8 specific review of the literature in relation to pediatric or congenital cataract. ACMG-AMP criteria applied: PM2(Supporting), PP3. Original variant report: PMID:29770612. The cataract phenotype reported for this variant is: Posterior capsule opacification. Gene review and curation guidelines are outlined in: DOI 10.1080/17469899.2023.2160320

Literature cited by the submitters: PubMed 29770612 (cited by Dept. Genetics and Cancer, Menzies Institute for Medical Research, University of Tasmania).

NM_005267.5(GJA8):c.839C>G (p.Pro280Arg)

Gene: GJA8 (gap junction protein alpha 8; plus strand). Cytogenetic location: 1q21.2.
Variant type: single nucleotide variant.
Coding change: c.839C>G on transcript NM_005267.5 (MANE Select); coding-DNA position 839, C replaced by G.
Protein change: p.Pro280Arg; replaces proline 280 with arginine.
Molecular consequence: missense variant.
Genome position (GRCh38, 1-based): chr1:147,908,794, C>G. VCF-style: chr1-147908794-C-G. GRCh37 (hg19) VCF-style: chr1-147380921-C-G.
Other names: short protein forms P280R.
Identifiers: ClinVar variation 3253673 (VCV003253673.2), dbSNP rs1571177590.